The following is an entry in ClinVar:

NM_014049.5(ACAD9):c.1060dup (p.Tyr354fs)

Gene: ACAD9 (acyl-CoA dehydrogenase family member 9; plus strand). Cytogenetic location: 3q21.3.
Variant type: Duplication.
Coding change: c.1060dup on transcript NM_014049.5 (MANE Select); coding-DNA position 1060, one base duplicated (T; older notation c.1060dupT).
Protein change: p.Tyr354fs; shifts the reading frame from tyrosine 354.
Molecular consequence: frameshift variant. On other transcripts: non-coding transcript variant (1).
Genome position (GRCh38, 1-based): chr3:128,904,416, T duplicated; the last of 2 consecutive T bases (chr3:128,904,415-128,904,416); duplicating either gives the same sequence. VCF-style (leftmost placement, unchanged base first): chr3-128904414-C-CT. GRCh37 (hg19) VCF-style: chr3-128623257-C-CT.
Other names: c.1060dupT (NM_014049.4); short protein forms Y354fs.
Identifiers: ClinVar variation 1074449 (VCV001074449.10), dbSNP rs1314818291, ClinGen allele CA546416686.

ClinVar aggregate classification (germline): Pathogenic/Likely pathogenic. Review status: criteria provided, multiple submitters, no conflicts (2 of 4 stars). 3 submissions from 3 submitters: Pathogenic (1); Likely pathogenic (2). Last evaluated 2025-03-24.

Conditions:
Acyl-CoA dehydrogenase 9 deficiency. Also called: Acyl-CoA dehydrogenase family, member 9, deficiency of; MITOCHONDRIAL COMPLEX I DEFICIENCY, NUCLEAR TYPE 20. Identifiers: Orphanet 99901, MedGen C4747517, MONDO:0012624, OMIM 611126.

Submissions (3):

Natera, Inc.
Classification: Likely pathogenic for ACAD9 deficiency. Last evaluated: 2025-03-24. Review status: criteria provided, single submitter. Criteria: Natera Variant Classification Schema (03/2026). Collection method: clinical testing. Allele origin: germline.
Comment: The c.1060dupT variant in ACAD9 is a frameshift variant predicted to shift the reading frame beginning at codon 354 and leads to a stop codon 43 codons downstream. This variant is expected to result in nonsense mediated decay, truncation, or a dysfunctional protein product. This variant is rare in the general population with a frequency below the threshold expected for the associated phenotype(s). Given the available evidence, this variant is classified as Likely Pathogenic.

Fulgent Genetics
Classification: Likely pathogenic for Acyl-CoA dehydrogenase 9 deficiency. Last evaluated: 2024-02-22. Review status: criteria provided, single submitter. Criteria: ACMG Guidelines, 2015. Collection method: clinical testing. Allele origin: germline.

Labcorp Genetics (formerly Invitae), Labcorp
Classification: Pathogenic. Last evaluated: 2024-02-01. Review status: criteria provided, single submitter. Criteria: Invitae Variant Classification Sherloc (09022015). Collection method: clinical testing. Allele origin: germline.
Comment: This sequence change creates a premature translational stop signal (p.Tyr354Leufs*43) in the ACAD9 gene. It is expected to result in an absent or disrupted protein product. Loss-of-function variants in ACAD9 are known to be pathogenic (PMID: 25721401). This variant is present in population databases (no rsID available, gnomAD 0.007%). This variant has not been reported in the literature in individuals affected with ACAD9-related conditions. ClinVar contains an entry for this variant (Variation ID: 1074449). For these reasons, this variant has been classified as Pathogenic.

Literature cited by the submitters: PubMed 25721401 (cited by Labcorp Genetics (formerly Invitae), Labcorp).